The following is an entry in ClinVar:

ClinVar aggregate classification (germline): Likely benign (1 of 4 stars; one submission).

gnomAD v4.1: 5 of 1,580,700 alleles (0.00032%); highest among the groups gnomAD compares: Middle Eastern, 0.033%; no homozygotes.

Submission:

CeGaT Center for Human Genetics Tuebingen
Classification: Likely benign. Last evaluated: 2024-02-01. Review status: criteria provided, single submitter. Criteria: CeGaT Center For Human Genetics Tuebingen Variant Classification Criteria Version 2. Collection method: clinical testing. Allele origin: germline. Affected: yes. Observed: 1 variant allele.
Comment: SZT2: PM2:Supporting, BP4, BP7

NM_001365999.1(SZT2):c.9888G>T (p.Gly3296=)

Genes: SZT2 (SZT2 subunit of KICSTOR complex; plus strand), SZT2-AS1 (SZT2 antisense RNA 1; minus strand). Cytogenetic location: 1p34.2.
Variant type: single nucleotide variant.
Coding change: c.9888G>T on transcript NM_001365999.1 (MANE Select); coding-DNA position 9888, G replaced by T.
Protein change: p.Gly3296=; no amino-acid change (glycine 3296 retained).
Molecular consequence: synonymous variant. On other transcripts: non-coding transcript variant (1).
Genome position (GRCh38, 1-based): chr1:43,448,403, G>T. VCF-style: chr1-43448403-G-T. GRCh37 (hg19) VCF-style: chr1-43914074-G-T.
Other names: c.9717G>T, p.Gly3239= (NM_015284.4); c.1329G>T, p.Gly443= (NM_024547.1).
Identifiers: ClinVar variation 3025747 (VCV003025747.22), dbSNP rs761122370, ClinGen allele CA417551975.